The following is an entry in ClinVar:

ClinVar aggregate classification (germline): Uncertain significance (1 of 4 stars; one submission).

Conditions:
Hajdu-Cheney syndrome (HJCYS). Also called: SERPENTINE FIBULA-POLYCYSTIC KIDNEY SYNDROME; Acroosteolysis dominant type; ACROOSTEOLYSIS WITH OSTEOPOROSIS AND CHANGES IN SKULL AND MANDIBLE. Identifiers: Orphanet 955, MedGen C0917715, MONDO:0007057, OMIM 102500.

gnomAD v4.1: 19 of 1,613,310 alleles (0.0012%); highest among the groups gnomAD compares: Non-Finnish European, 0.0016%; no homozygotes.

Submission:

Labcorp Genetics (formerly Invitae), Labcorp
Classification: Uncertain significance for Hajdu-Cheney syndrome. Last evaluated: 2025-11-22. Review status: criteria provided, single submitter. Criteria: Invitae Variant Classification Sherloc (09022015). Collection method: clinical testing. Allele origin: germline.
Comment: This sequence change replaces aspartic acid, which is acidic and polar, with asparagine, which is neutral and polar, at codon 1506 of the NOTCH2 protein (p.Asp1506Asn). This variant is present in population databases (rs761071194, gnomAD 0.003%). This variant has not been reported in the literature in individuals affected with NOTCH2-related conditions. Invitae Evidence Modeling of protein sequence and biophysical properties (such as structural, functional, and spatial information, amino acid conservation, physicochemical variation, residue mobility, and thermodynamic stability) indicates that this missense variant is not expected to disrupt NOTCH2 protein function with a negative predictive value of 80%. In summary, the available evidence is currently insufficient to determine the role of this variant in disease. Therefore, it has been classified as a Variant of Uncertain Significance.

NM_024408.4(NOTCH2):c.4516G>A (p.Asp1506Asn)

Gene: NOTCH2 (notch receptor 2; minus strand). Cytogenetic location: 1p12.
Variant type: single nucleotide variant.
Coding change: c.4516G>A on transcript NM_024408.4 (MANE Select); coding-DNA position 4516, G replaced by A.
Protein change: p.Asp1506Asn; replaces aspartic acid 1506 with asparagine.
Molecular consequence: missense variant.
Genome position (GRCh38, 1-based): chr1:119,923,980, C>T on the plus strand (G>A on the coding strand, the complement: NOTCH2 is on the minus strand). VCF-style: chr1-119923980-C-T. GRCh37 (hg19) VCF-style: chr1-120466603-C-T.
Other names: short protein forms D1506N.
Identifiers: ClinVar variation 4810042 (VCV004810042.1).
Genomic context (GRCh38, chr1:119,923,980, plus strand): 5'-CCTCACTGTTGCACCCCTGGTCACAGTGGTTGTCTTTGAAGTGGTCTGCACAGTATTTGT[C>T]ATACCTAGGTAAGGGGAAGCAGAGAACAGGCAAAAGAGCTCAGATTAGACTGGAGCTCTA-3'
Protein context (NP_077719.2, residues 1496-1516): CQGNSKTCKY[Asp1506Asn]KYCADHFKDN